The following is an entry in ClinVar:

NM_007294.4(BRCA1):c.4841dup (p.Ala1615fs)

Gene: BRCA1 (BRCA1 DNA repair associated; minus strand). Cytogenetic location: 17q21.31.
Variant type: Duplication.
Coding change: c.4841dup on transcript NM_007294.4 (MANE Select); coding-DNA position 4841, one base duplicated (C; older notation c.4841dupC).
Protein change: p.Ala1615fs; shifts the reading frame from alanine 1615.
Molecular consequence: frameshift variant. On other transcripts: non-coding transcript variant (1).
Genome position (GRCh38, 1-based): chr17:43,071,073, G duplicated on the plus strand (C on the coding strand, the reverse complement: BRCA1 is on the minus strand); the first of 2 consecutive G bases (chr17:43,071,073-43,071,074); duplicating either gives the same sequence. VCF-style (leftmost placement, unchanged base first): chr17-43071072-T-TG. GRCh37 (hg19) VCF-style: chr17-41223089-T-TG.
Other names: c.4841dupC (NM_007294.3); c.4627dup, p.Ala1544Serfs (NM_001407571.1, NM_001407894.1, NM_001407895.1 and 12 more transcripts); c.4906dup, p.Ala1637Serfs (NM_001407581.1, NM_001407582.1); c.4903dup, p.Ala1636Serfs (NM_001407583.1, NM_001407585.1, NM_001407587.1); c.4900dup, p.Ala1635Serfs (NM_001407590.1, NM_001407591.1); c.4840dup, p.Ala1615Serfs (NM_001407593.1, NM_001407594.1, NM_001407596.1 and 8 more transcripts); c.4837dup, p.Ala1614Serfs (NM_001407610.1, NM_001407611.1, NM_001407612.1 and 17 more transcripts); c.4834dup, p.Ala1613Serfs (NM_001407627.1, NM_001407628.1, NM_001407629.1 and 14 more transcripts); and 74 more; short protein forms A1636fs, A511fs, A1568fs, A1615fs.
Identifiers: ClinVar variation 548257 (VCV000548257.2), dbSNP rs1555580813, ClinGen allele CA658825005.

ClinVar aggregate classification (germline): Pathogenic (3 of 4 stars; one submission).

Conditions:
Breast-ovarian cancer, familial, susceptibility to, 1 (BROVCA1). Also called: BRCA1 Hereditary Breast and Ovarian Cancer; OVARIAN CANCER, SUSCEPTIBILITY TO. Identifiers: Orphanet 145, MedGen C2676676, MONDO:0011450, OMIM 604370. Disease mechanism: loss of function.

Submission:

Evidence-based Network for the Interpretation of Germline Mutant Alleles (ENIGMA)
Classification: Pathogenic for Breast-ovarian cancer, familial, susceptibility to, 1. Last evaluated: 2017-12-15. Review status: reviewed by expert panel. Criteria: ENIGMA BRCA1/2 Classification Criteria (2017-06-29). Collection method: curation. Allele origin: germline. Study: ENIGMA.
Comment: Variant allele predicted to encode a truncated non-functional protein.